The following is an entry in ClinVar:

ClinVar aggregate classification (germline): Pathogenic/Likely pathogenic. Review status: criteria provided, multiple submitters, no conflicts (2 of 4 stars). 3 submissions from 3 submitters: Pathogenic (1); Likely pathogenic (2). Last evaluated 2025-12-08.

Conditions:
Marfan syndrome (MFS). Also called: FBN1-Related Marfan Syndrome; MARFAN SYNDROME, TYPE I; Marfan syndrome type 1; Marfan's syndrome; Marfan syndrome, classic. Identifiers: Orphanet 284963, Orphanet 558, MedGen C0024796, MONDO:0007947, OMIM 154700.
Familial thoracic aortic aneurysm and aortic dissection (TAAD). Also called: Thoracic aortic aneurysms and dissections. Identifiers: Orphanet 91387, MedGen C4707243, MONDO:0019625.
Isolated thoracic aortic aneurysm.
FBN1-related disorder. Also called: FBN1-related disorders.

Submissions (3):

Labcorp Genetics (formerly Invitae), Labcorp
Classification: Likely pathogenic for Marfan syndrome; Familial thoracic aortic aneurysm and aortic dissection. Last evaluated: 2025-12-08. Review status: criteria provided, single submitter. Criteria: Invitae Variant Classification Sherloc (09022015). Collection method: clinical testing. Allele origin: germline.
Comment: This sequence change affects a donor splice site in intron 10 of the FBN1 gene. It is expected to disrupt RNA splicing. Variants that disrupt the donor or acceptor splice site typically lead to a loss of protein function (PMID: 16199547), and loss-of-function variants in FBN1 are known to be pathogenic (PMID: 17657824, 19293843). This variant is not present in population databases (gnomAD no frequency). Disruption of this splice site has been observed in individual(s) with FBN1-related conditions (PMID: 33824467). ClinVar contains an entry for this variant (Variation ID: 982351). Algorithms developed to predict the effect of sequence changes on RNA splicing suggest that this variant may disrupt the consensus splice site. In summary, the currently available evidence indicates that the variant is pathogenic, but additional data are needed to prove that conclusively. Therefore, this variant has been classified as Likely Pathogenic.

PreventionGenetics, part of Exact Sciences
Classification: Pathogenic for FBN1-related condition. Last evaluated: 2025-08-07. Review status: criteria provided, single submitter. Criteria: ACMG Guidelines, 2015. Collection method: clinical testing. Allele origin: germline.
Comment: The FBN1 c.1147+1G>A variant is predicted to disrupt the GT donor site and interfere with normal splicing. This variant has been reported in a cohort of individuals with thoracic aortic aneurysm with or without dissection (Table S3, Li et al. 2021. PubMed ID: 33824467). This variant has not been reported in a large population database (gnomAD), indicating this variant is rare. Variants that disrupt the consensus splice donor site in FBN1 are expected to be pathogenic. This variant is interpreted as pathogenic.

Department of Vascular Biology, Beijing Anzhen Hospital
Classification: Likely pathogenic for Isolated thoracic aortic aneurysm. Last evaluated: 2018-09-01. Review status: criteria provided, single submitter. Criteria: ACMG Guidelines, 2015. Collection method: research. Allele origin: germline. Affected: yes.

Literature cited by the submitters: PubMed 16199547 (cited by Labcorp Genetics (formerly Invitae), Labcorp); PubMed 17657824 (cited by Labcorp Genetics (formerly Invitae), Labcorp); PubMed 19293843 (cited by Labcorp Genetics (formerly Invitae), Labcorp); PubMed 33824467 (cited by Labcorp Genetics (formerly Invitae), Labcorp).

NM_000138.5(FBN1):c.1147+1G>A

Genes: FBN1 (fibrillin 1; minus strand), LOC113939944 (Sharpr-MPRA regulatory region 9539; plus strand). Cytogenetic location: 15q21.1.
Variant type: single nucleotide variant.
Coding change: c.1147+1G>A on transcript NM_000138.5 (MANE Select); the canonical splice donor site of the intron after coding-DNA position 1147, G replaced by A.
Molecular consequence: splice donor variant.
Genome position (GRCh38, 1-based): chr15:48,520,658, C>T on the plus strand (G>A on the coding strand, the complement: FBN1 is on the minus strand). VCF-style: chr15-48520658-C-T. GRCh37 (hg19) VCF-style: chr15-48812855-C-T.
Other names: c.1147+1G>A (NM_000138.4, NM_001406716.1).
Identifiers: ClinVar variation 982351 (VCV000982351.4), dbSNP rs2141335918, ClinGen allele CA392346987.